The following is an entry in ClinVar:

ClinVar aggregate classification (germline): Uncertain significance (1 of 4 stars; one submission).

Conditions:
Cardiovascular phenotype. Identifiers: MedGen CN230736.

Allele frequency attached by ClinVar (database versions not stated): gnomAD exomes below 0.00001; TOPMed 0.00001.
gnomAD v4.1: 1 of 1,614,070 alleles (0.000062%); highest among the groups gnomAD compares: Non-Finnish European, 0.000085%; no homozygotes.

Submission:

Ambry Genetics
Classification: Uncertain significance for Cardiovascular phenotype. Last evaluated: 2023-11-13. Review status: criteria provided, single submitter. Criteria: Ambry Variant Classification Scheme 2023. Collection method: clinical testing. Allele origin: germline.
Comment: The p.P3872L variant (also known as c.11615C>T), located in coding exon 26 of the APOB gene, results from a C to T substitution at nucleotide position 11615. The proline at codon 3872 is replaced by leucine, an amino acid with similar properties. This amino acid position is conserved. In addition, the in silico prediction for this alteration is inconclusive. Since supporting evidence is limited at this time, the clinical significance of this alteration remains unclear.

NM_000384.3(APOB):c.11615C>T (p.Pro3872Leu)

Gene: APOB (apolipoprotein B; minus strand). Cytogenetic location: 2p24.1.
Variant type: single nucleotide variant.
Coding change: c.11615C>T on transcript NM_000384.3 (MANE Select); coding-DNA position 11615, C replaced by T.
Protein change: p.Pro3872Leu; replaces proline 3872 with leucine.
Molecular consequence: missense variant.
Genome position (GRCh38, 1-based): chr2:21,005,253, G>A on the plus strand (C>T on the coding strand, the complement: APOB is on the minus strand). VCF-style: chr2-21005253-G-A. GRCh37 (hg19) VCF-style: chr2-21228125-G-A.
Other names: short protein forms P3872L.
Identifiers: ClinVar variation 3231366 (VCV003231366.1), dbSNP rs1385285380, ClinGen allele CA345977925.